The following is an entry in ClinVar:

ClinVar aggregate classification (germline): Uncertain significance. Review status: criteria provided, multiple submitters, no conflicts (2 of 4 stars). 3 submissions from 3 submitters: Uncertain significance (3). Last evaluated 2025-03-20.

Conditions:
Neuronal ceroid lipofuscinosis. Also called: Neuronal Ceroid Lipofuscinoses. Identifiers: Orphanet 216, Orphanet 79263, MedGen C0027877, MONDO:0016295. Disease mechanism: loss of function.

Allele frequency attached by ClinVar (database versions not stated): gnomAD exomes below 0.00001 and 0.00001; ExAC 0.00001; gnomAD 0.00001 and 0.00002; TOPMed 0.00001.

Submissions (3):

GeneDx
Classification: Uncertain significance. Last evaluated: 2025-03-20. Review status: criteria provided, single submitter. Criteria: GeneDx Variant Classification Process June 2021. Collection method: clinical testing. Allele origin: germline. Affected: yes.
Comment: Not observed at significant frequency in large population cohorts (gnomAD); In silico analysis supports that this missense variant has a deleterious effect on protein structure/function; Has not been previously published as pathogenic or benign to our knowledge

Women's Health and Genetics/Laboratory Corporation of America, LabCorp
Classification: Uncertain significance. Last evaluated: 2023-08-10. Review status: criteria provided, single submitter. Criteria: LabCorp Variant Classification Summary - May 2015. Collection method: clinical testing. Allele origin: germline.
Comment: Variant summary: CTSD c.751G>A (p.Asp251Asn) results in a conservative amino acid change located in the Peptidase family A1 domain (IPR033121) of the encoded protein sequence. Three of five in-silico tools predict a damaging effect of the variant on protein function. The variant allele was found at a frequency of 1.2e-05 in 251362 control chromosomes (gnomAD). The available data on variant occurrences in the general population are insufficient to allow any conclusion about variant significance. To our knowledge, no occurrence of c.751G>A in individuals affected with Neuronal Ceroid-Lipofuscinosis (Batten Disease) and no experimental evidence demonstrating its impact on protein function have been reported. One submitter has cited a clinical-significance assessment for this variant to ClinVar after 2014 and has classified the variant as uncertain significance. Based on the evidence outlined above, the variant was classified as uncertain significance.

Labcorp Genetics (formerly Invitae), Labcorp
Classification: Uncertain significance for Neuronal ceroid lipofuscinosis. Last evaluated: 2022-08-16. Review status: criteria provided, single submitter. Criteria: Invitae Variant Classification Sherloc (09022015). Collection method: clinical testing. Allele origin: germline.
Comment: This sequence change replaces aspartic acid, which is acidic and polar, with asparagine, which is neutral and polar, at codon 251 of the CTSD protein (p.Asp251Asn). This variant is present in population databases (rs763407972, gnomAD 0.009%). This variant has not been reported in the literature in individuals affected with CTSD-related conditions. ClinVar contains an entry for this variant (Variation ID: 205357). Advanced modeling of protein sequence and biophysical properties (such as structural, functional, and spatial information, amino acid conservation, physicochemical variation, residue mobility, and thermodynamic stability) performed at Invitae indicates that this missense variant is expected to disrupt CTSD protein function. In summary, the available evidence is currently insufficient to determine the role of this variant in disease. Therefore, it has been classified as a Variant of Uncertain Significance.

NM_001909.5(CTSD):c.751G>A (p.Asp251Asn)

Gene: CTSD (cathepsin D; minus strand). Cytogenetic location: 11p15.5.
Variant type: single nucleotide variant.
Coding change: c.751G>A on transcript NM_001909.5 (MANE Select); coding-DNA position 751, G replaced by A.
Protein change: p.Asp251Asn; replaces aspartic acid 251 with asparagine.
Molecular consequence: missense variant.
Genome position (GRCh38, 1-based): chr11:1,754,982, C>T on the plus strand (G>A on the coding strand, the complement: CTSD is on the minus strand). VCF-style: chr11-1754982-C-T. GRCh37 (hg19) VCF-style: chr11-1776212-C-T.
Other names: p.D251N:GAC>AAC; short protein forms D251N.
Identifiers: ClinVar variation 205357 (VCV000205357.8), dbSNP rs763407972, ClinGen allele CA314356.
Genomic context (GRCh38, chr11:1,754,982, plus strand): 5'-GCCAGTAGGCCTTGCGGGTGACATTCAGGTAGGACAGAGAACCCTTGTAATACTTGGAGT[C>T]TGTGCCACCCAGCATCAGCTCACCCCCAGGCTGCGCATCTGGGTCCCTAGGAGGAAAAGG-3'
Protein context (NP_001900.1, residues 241-261): PGGELMLGGT[Asp251Asn]SKYYKGSLSY